The following is an entry in ClinVar:

ClinVar aggregate classification (germline): Uncertain significance (1 of 4 stars; one submission).

Conditions:
Costello syndrome (CSTLO). Also called: FACIOCUTANEOSKELETAL SYNDROME; FCS SYNDROME; HRAS-Related Costello Syndrome. Identifiers: Orphanet 3071, MedGen C0587248, MONDO:0009026, OMIM 218040.

Submission:

Labcorp Genetics (formerly Invitae), Labcorp
Classification: Uncertain significance for Costello syndrome. Last evaluated: 2023-02-24. Review status: criteria provided, single submitter. Criteria: Invitae Variant Classification Sherloc (09022015). Collection method: clinical testing. Allele origin: germline.
Comment: This sequence change replaces methionine, which is neutral and non-polar, with isoleucine, which is neutral and non-polar, at codon 67 of the HRAS protein (p.Met67Ile). In summary, the available evidence is currently insufficient to determine the role of this variant in disease. Therefore, it has been classified as a Variant of Uncertain Significance. An algorithm developed to predict the effect of missense changes on protein structure and function (PolyPhen-2) suggests that this variant is likely to be tolerated. This variant has not been reported in the literature in individuals affected with HRAS-related conditions. This variant is not present in population databases (gnomAD no frequency).

NM_005343.4(HRAS):c.201G>A (p.Met67Ile)

Genes: HRAS (HRas proto-oncogene, GTPase; minus strand), LRRC56 (leucine rich repeat containing 56; plus strand). Cytogenetic location: 11p15.5.
Variant type: single nucleotide variant.
Coding change: c.201G>A on transcript NM_005343.4 (MANE Select); coding-DNA position 201, G replaced by A.
Protein change: p.Met67Ile; replaces methionine 67 with isoleucine.
Molecular consequence: missense variant. On other transcripts: 5 prime UTR variant (1).
Genome position (GRCh38, 1-based): chr11:533,855, C>T on the plus strand (G>A on the coding strand, the complement: HRAS is on the minus strand). VCF-style: chr11-533855-C-T. GRCh37 (hg19) VCF-style: chr11-533855-C-T.
Other names: c.201G>A, p.Met67Ile (NM_001130442.3, NM_176795.5); c.-119G>A (NM_001318054.2); short protein forms M67I.
Identifiers: ClinVar variation 2840656 (VCV002840656.3), dbSNP rs2133990773, ClinGen allele CA378924635.